The following is an entry in ClinVar:

NM_030962.4(SBF2):c.3155A>G (p.Lys1052Arg)

Genes: SBF2 (SET binding factor 2; minus strand), LOC101928008 (uncharacterized LOC101928008; plus strand). Cytogenetic location: 11p15.4.
Variant type: single nucleotide variant.
Coding change: c.3155A>G on transcript NM_030962.4 (MANE Select); coding-DNA position 3155, A replaced by G.
Protein change: p.Lys1052Arg; replaces lysine 1052 with arginine.
Molecular consequence: missense variant.
Genome position (GRCh38, 1-based): chr11:9,842,726, T>C on the plus strand (A>G on the coding strand, the complement: SBF2 is on the minus strand). VCF-style: chr11-9842726-T-C. GRCh37 (hg19) VCF-style: chr11-9864273-T-C.
Other names: c.3155A>G, p.Lys1052Arg (NM_001386339.1); c.3026A>G, p.Lys1009Arg (NM_001386342.1); c.3155A>G (NM_030962.3); short protein forms K1009R, K1052R.
Identifiers: ClinVar variation 1515019 (VCV001515019.7), dbSNP rs556594133, ClinGen allele CA217617961.
Genomic context (GRCh38, chr11:9,842,726, plus strand): 5'-CTTTCTTCCACAATTGTCCCTGTCTTCTTCTTCAGTAAATATTGCCGCCCAATTGTCATT[T>C]TCCCTGCCCTTTTGGCACCTTTCACAATTGTTTTTGAGAAGGTACTACAAGTCATAAAAC-3'
Protein context (NP_112224.1, residues 1042-1062): TIVKGAKRAG[Lys1052Arg]MTIGRQYLLK

ClinVar aggregate classification (germline): Uncertain significance. Review status: criteria provided, multiple submitters, no conflicts (2 of 4 stars). 2 submissions from 2 submitters: Uncertain significance (2). Last evaluated 2021-08-13.

Conditions:
Inborn genetic diseases. Identifiers: MedGen C0950123, MeSH D030342.
Charcot-Marie-Tooth disease type 4. Also called: Charcot-Marie-Tooth disease, type IV; Charcot-Marie-Tooth, Type 4. Identifiers: Orphanet 64749, MedGen C4082197, MONDO:0018995.

Allele frequency attached by ClinVar (database versions not stated): gnomAD exomes below 0.00001 and 0.00001; gnomAD 0.00001; TOPMed 0.00002; 1000 Genomes Project 30x 0.00016; 1000 Genomes Project 0.00020.
gnomAD v4.1: 16 of 1,614,178 alleles (0.00099%); highest among the groups gnomAD compares: Admixed American, 0.01%; no homozygotes.

Submissions (2):

Ambry Genetics
Classification: Uncertain significance for Inborn genetic diseases. Last evaluated: 2021-08-13. Review status: criteria provided, single submitter. Criteria: Ambry Variant Classification Scheme 2023. Collection method: clinical testing. Allele origin: germline.

Labcorp Genetics (formerly Invitae), Labcorp
Classification: Uncertain significance for Charcot-Marie-Tooth disease type 4. Last evaluated: 2020-11-20. Review status: criteria provided, single submitter. Criteria: Invitae Variant Classification Sherloc (09022015). Collection method: clinical testing. Allele origin: germline.
Comment: In summary, the available evidence is currently insufficient to determine the role of this variant in disease. Therefore, it has been classified as a Variant of Uncertain Significance. Algorithms developed to predict the effect of missense changes on protein structure and function (SIFT, PolyPhen-2, Align-GVGD) all suggest that this variant is likely to be tolerated, but these predictions have not been confirmed by published functional studies and their clinical significance is uncertain. This variant has not been reported in the literature in individuals with SBF2-related conditions. This variant is not present in population databases (ExAC no frequency). This sequence change replaces lysine with arginine at codon 1052 of the SBF2 protein (p.Lys1052Arg). The lysine residue is highly conserved and there is a small physicochemical difference between lysine and arginine.